The following is an entry in ClinVar:

NM_000528.4(MAN2B1):c.1503C>A (p.Cys501Ter)

Gene: MAN2B1 (mannosidase alpha class 2B member 1; minus strand). Cytogenetic location: 19p13.13.
Variant type: single nucleotide variant.
Coding change: c.1503C>A on transcript NM_000528.4 (MANE Select); coding-DNA position 1503, C replaced by A.
Protein change: p.Cys501Ter; replaces cysteine 501 with a stop codon.
Molecular consequence: nonsense.
Genome position (GRCh38, 1-based): chr19:12,656,973, G>T on the plus strand (C>A on the coding strand, the complement: MAN2B1 is on the minus strand). VCF-style: chr19-12656973-G-T. GRCh37 (hg19) VCF-style: chr19-12767787-G-T.
Other names: c.1500C>A, p.Cys500Ter (NM_001173498.2); short protein forms C501*, C500*.
Identifiers: ClinVar variation 328268 (VCV000328268.10), dbSNP rs886054230, ClinGen allele CA10642322.
Genomic context (GRCh38, chr19:12,656,973, plus strand): 5'-ATCTGCCCTAGATCCACCCCTCCCGTCCCGGCTCACGCGCGCCGCCGTCTGGCTGAGCGG[G>T]CAGATGCTGATGTTTAGCTGTTGGCAAAAGGTGAAGTGATCTTTGAAGCCTCTGAGCCGC-3'

ClinVar aggregate classification (germline): Likely pathogenic (1 of 4 stars; one submission).

Conditions:
Deficiency of alpha-mannosidase (MANSA). Also called: Alpha-Mannosidosis; LYSOSOMAL ALPHA-D-MANNOSIDASE DEFICIENCY; Mannosidosis, alpha-, types I and II. Identifiers: Orphanet 61, MedGen C0024748, MONDO:0009561, OMIM 248500.

Submission:

Laboratory for Molecular Medicine, Mass General Brigham Personalized Medicine
Classification: Likely pathogenic for Deficiency of alpha-mannosidase. Last evaluated: 2019-08-19. Review status: criteria provided, single submitter. Criteria: LMM Criteria. Collection method: clinical testing. Allele origin: germline. Inheritance: Autosomal recessive inheritance. Observed: 1 variant allele.
Comment: The p.Cys501X variant in MAN2B1 has not been previously reported in individuals with alpha-mannosidosis and was absent from large population studies. This nonsense variant leads to a premature termination codon at position 501, which is predicted to lead to a truncated or absent protein. Loss of function of the MAN2B1 gene is an established disease mechanism in autosomal recessive alpha-mannosidosis. In summary, although additional studies are required to fully establish its clinical significance, this variant meets criteria to be classified as likely pathogenic for autosomal recessive alpha-mannosidosis. ACMG/AMP Criteria applied: PVS1, PM2.